The following is an entry in ClinVar:

NM_003737.4(DCHS1):c.2837C>T (p.Thr946Ile)

Gene: DCHS1 (dachsous cadherin-related 1; minus strand). Cytogenetic location: 11p15.4.
Variant type: single nucleotide variant.
Coding change: c.2837C>T on transcript NM_003737.4 (MANE Select); coding-DNA position 2837, C replaced by T.
Protein change: p.Thr946Ile; replaces threonine 946 with isoleucine.
Molecular consequence: missense variant.
Genome position (GRCh38, 1-based): chr11:6,632,675, G>A on the plus strand (C>T on the coding strand, the complement: DCHS1 is on the minus strand). VCF-style: chr11-6632675-G-A. GRCh37 (hg19) VCF-style: chr11-6653906-G-A.
Other names: c.2837C>T (NM_003737.2); short protein forms T946I.
Identifiers: ClinVar variation 3666975 (VCV003666975.3).
Genomic context (GRCh38, chr11:6,632,675, plus strand): 5'-AGCTCATGGGCTGGCCCTCCTGAGGGCCCCAGAGGCCTCATAAGCCGTACATGGCCTGTG[G>A]TGGGGTCCACGGTGAAGGCTCCACCACCCCCAGCAAGCAGGGTAAAGGTGACTCGACTGT-3'
Protein context (NP_003728.1, residues 936-956): GGGGAFTVDP[Thr946Ile]TGHVRLMRPL

ClinVar aggregate classification (germline): Uncertain significance. Review status: criteria provided, multiple submitters, no conflicts (2 of 4 stars). 2 submissions from 2 submitters: Uncertain significance (2). Last evaluated 2025-02-26.

Conditions:
Inborn genetic diseases. Identifiers: MedGen C0950123, MeSH D030342.

Submissions (2):

Ambry Genetics
Classification: Uncertain significance for Inborn genetic diseases. Last evaluated: 2025-02-26. Review status: criteria provided, single submitter. Criteria: Ambry Variant Classification Scheme 2023. Collection method: clinical testing. Allele origin: germline.

Labcorp Genetics (formerly Invitae), Labcorp
Classification: Uncertain significance. Last evaluated: 2024-12-15. Review status: criteria provided, single submitter. Criteria: Invitae Variant Classification Sherloc (09022015). Collection method: clinical testing. Allele origin: germline.
Comment: This sequence change replaces threonine, which is neutral and polar, with isoleucine, which is neutral and non-polar, at codon 946 of the DCHS1 protein (p.Thr946Ile). This variant is not present in population databases (gnomAD no frequency). This variant has not been reported in the literature in individuals affected with DCHS1-related conditions. Invitae Evidence Modeling of protein sequence and biophysical properties (such as structural, functional, and spatial information, amino acid conservation, physicochemical variation, residue mobility, and thermodynamic stability) indicates that this missense variant is not expected to disrupt DCHS1 protein function with a negative predictive value of 80%. In summary, the available evidence is currently insufficient to determine the role of this variant in disease. Therefore, it has been classified as a Variant of Uncertain Significance.